The following is an entry in ClinVar:

NM_005228.5(EGFR):c.762C>G (p.Phe254Leu)

Gene: EGFR (epidermal growth factor receptor; plus strand). Cytogenetic location: 7p11.2.
Variant type: single nucleotide variant.
Coding change: c.762C>G on transcript NM_005228.5 (MANE Select); coding-DNA position 762, C replaced by G.
Protein change: p.Phe254Leu; replaces phenylalanine 254 with leucine.
Molecular consequence: missense variant. On other transcripts: intron variant (1).
Genome position (GRCh38, 1-based): chr7:55,154,025, C>G. VCF-style: chr7-55154025-C-G. GRCh37 (hg19) VCF-style: chr7-55221718-C-G.
Other names: c.627C>G, p.Phe209Leu (NM_001346897.2, NM_001346899.2); c.762C>G, p.Phe254Leu (NM_001346898.2, NM_201282.2, NM_201283.2 and 1 more transcripts); c.603C>G, p.Phe201Leu (NM_001346900.2); c.89-1805C>G (NM_001346941.2); short protein forms F209L, F201L, F254L.
Identifiers: ClinVar variation 5035743 (VCV005035743.1).
Genomic context (GRCh38, chr7:55,154,025, plus strand): 5'-GAGTGTACTTACCTCACTTGCCCAGCGTGTCCTCTCTCCTCCATAGGTCTGCCGCAAATT[C>G]CGAGACGAAGCCACGTGCAAGGACACCTGCCCCCCACTCATGCTCTACAACCCCACCACG-3'
Protein context (NP_005219.2, residues 244-264): RESDCLVCRK[Phe254Leu]RDEATCKDTC

ClinVar aggregate classification (germline): Uncertain significance (1 of 4 stars; one submission).

Conditions:
Hereditary cancer-predisposing syndrome. Also called: Hereditary Cancer Syndrome; Neoplastic Syndromes, Hereditary; Tumor predisposition; Hereditary neoplastic syndrome. Identifiers: Orphanet 140162, MedGen C0027672, MeSH D009386, MONDO:0015356.

Submission:

Ambry Genetics
Classification: Uncertain significance for Hereditary cancer-predisposing syndrome. Last evaluated: 2026-06-25. Review status: criteria provided, single submitter. Criteria: Ambry Variant Classification Scheme 2023. Collection method: clinical testing. Allele origin: germline.
Comment: The p.F254L variant (also known as c.762C>G), located in coding exon 7 of the EGFR gene, results from a C to G substitution at nucleotide position 762. The phenylalanine at codon 254 is replaced by leucine, an amino acid with highly similar properties. This amino acid position is highly conserved in available vertebrate species. In addition, this alteration is predicted to be deleterious by in silico analysis. Based on the available evidence, the clinical significance of this variant remains unclear.